The following is an entry in ClinVar:

NM_001194998.2(CEP152):c.4894T>C (p.Cys1632Arg)

Gene: CEP152 (centrosomal protein 152; minus strand). Cytogenetic location: 15q21.1.
Variant type: single nucleotide variant.
Coding change: c.4894T>C on transcript NM_001194998.2 (MANE Select); coding-DNA position 4894, T replaced by C.
Protein change: p.Cys1632Arg; replaces cysteine 1632 with arginine.
Molecular consequence: missense variant.
Genome position (GRCh38, 1-based): chr15:48,738,488, A>G on the plus strand (T>C on the coding strand, the complement: CEP152 is on the minus strand). VCF-style: chr15-48738488-A-G. GRCh37 (hg19) VCF-style: chr15-49030685-A-G.
Other names: c.4726T>C, p.Cys1576Arg (NM_014985.4); short protein forms C1576R, C1632R.
Identifiers: ClinVar variation 1361817 (VCV001361817.8), dbSNP rs2140540131, ClinGen allele CA392333150.
Genomic context (GRCh38, chr15:48,738,488, plus strand): 5'-TCTTTCCTGGCTCCAAATACGTGGTTTCTTCTGACAGGTATGGAGTTTGATAACGCTGAC[A>G]TTTCATTGTTTGACAAATCATATTACTTTCCTCTGTATCTGAAAGATAACCGGATGGTGA-3'
Protein context (NP_001181927.1, residues 1622-1642): ESNMICQTMK[Cys1632Arg]QRYQTPYLSE

ClinVar aggregate classification (germline): Uncertain significance (1 of 4 stars; one submission).

Submission:

Labcorp Genetics (formerly Invitae), Labcorp
Classification: Uncertain significance. Last evaluated: 2021-02-26. Review status: criteria provided, single submitter. Criteria: Invitae Variant Classification Sherloc (09022015). Collection method: clinical testing. Allele origin: germline.
Comment: Algorithms developed to predict the effect of missense changes on protein structure and function (SIFT, PolyPhen-2, Align-GVGD) all suggest that this variant is likely to be tolerated, but these predictions have not been confirmed by published functional studies and their clinical significance is uncertain. This sequence change replaces cysteine with arginine at codon 1576 of the CEP152 protein (p.Cys1576Arg). The cysteine residue is weakly conserved and there is a large physicochemical difference between cysteine and arginine. This variant is not present in population databases (ExAC no frequency). This variant has not been reported in the literature in individuals with CEP152-related conditions. In summary, the available evidence is currently insufficient to determine the role of this variant in disease. Therefore, it has been classified as a Variant of Uncertain Significance.